The following is an entry in ClinVar:

NM_001943.5(DSG2):c.1374_1388del (p.Arg458_Gly463delinsSer)

Gene: DSG2 (desmoglein 2; plus strand). Cytogenetic location: 18q12.1.
Variant type: Deletion.
Coding change: c.1374_1388del on transcript NM_001943.5 (MANE Select); coding-DNA positions 1374 to 1388, 15 bases deleted (ATATGTTCAAAATGG).
Protein change: p.Arg458_Gly463delinsSer.
Molecular consequence: inframe indel.
Genome position (GRCh38, 1-based): chr18:31,535,363-31,535,377, ATATGTTCAAAATGG deleted; deleting any 15 consecutive bases within chr18:31,535,362-31,535,377 gives the same sequence; the c. name uses the placement nearest the transcript's 3' end. VCF-style (leftmost placement, unchanged base first): chr18-31535361-AGATATGTTCAAAATG-A. GRCh37 (hg19) VCF-style: chr18-29115324-AGATATGTTCAAAATG-A.
Identifiers: ClinVar variation 1021091 (VCV001021091.8), dbSNP rs2073222954, ClinGen allele CA2293861684.

ClinVar aggregate classification (germline): Uncertain significance (1 of 4 stars; one submission).

Conditions:
Arrhythmogenic right ventricular dysplasia 10. Also called: Arrhythmogenic Right Ventricular Dysplasia/Cardiomyopathy10; ARRHYTHMOGENIC RIGHT VENTRICULAR DYSPLASIA, FAMILIAL, 10; Arrhythmogenic right ventricular dysplasia/cardiomyopathy, type 10. Identifiers: MedGen C1857777, MONDO:0012434, OMIM 610193.

Submission:

Labcorp Genetics (formerly Invitae), Labcorp
Classification: Uncertain significance for Arrhythmogenic right ventricular dysplasia 10. Last evaluated: 2020-09-11. Review status: criteria provided, single submitter. Criteria: Invitae Variant Classification Sherloc (09022015). Collection method: clinical testing. Allele origin: germline.
Comment: In summary, the available evidence is currently insufficient to determine the role of this variant in disease. Therefore, it has been classified as a Variant of Uncertain Significance. Algorithms developed to predict the effect of sequence changes on RNA splicing suggest that this variant may create or strengthen a splice site, but this prediction has not been confirmed by published transcriptional studies. Experimental studies and prediction algorithms are not available or were not evaluated, and the functional significance of this variant is currently unknown. This variant has not been reported in the literature in individuals with DSG2-related conditions. This variant is not present in population databases (ExAC no frequency). This variant, c.1374_1388del, results in the deletion of 6 and insertion of 1 amino acid(s) in the DSG2 protein (p.Arg458_Gly463delinsSer), but otherwise preserves the integrity of the reading frame.